The following is an entry in ClinVar:

NM_021102.4(SPINT2):c.605C>T (p.Ala202Val)

Gene: SPINT2 (serine peptidase inhibitor, Kunitz type 2; plus strand). Cytogenetic location: 19q13.2.
Variant type: single nucleotide variant.
Coding change: c.605C>T on transcript NM_021102.4 (MANE Select); coding-DNA position 605, C replaced by T.
Protein change: p.Ala202Val; replaces alanine 202 with valine.
Molecular consequence: missense variant.
Genome position (GRCh38, 1-based): chr19:38,291,852, C>T. VCF-style: chr19-38291852-C-T. GRCh37 (hg19) VCF-style: chr19-38782492-C-T.
Other names: c.434C>T, p.Ala145Val (NM_001166103.2); short protein forms A202V, A145V.
Identifiers: ClinVar variation 1373648 (VCV001373648.5), dbSNP rs551764131, ClinGen allele CA9411572.

ClinVar aggregate classification (germline): Uncertain significance (1 of 4 stars; one submission).

Allele frequency attached by ClinVar (database versions not stated): gnomAD 0.00004 and 0.00012; TOPMed 0.00004; gnomAD exomes 0.00015 and 0.00026; 1000 Genomes Project 30x 0.00016; 1000 Genomes Project 0.00020; ExAC 0.00034.
gnomAD v4.1: 233 of 1,612,504 alleles (0.014%); highest among the groups gnomAD compares: South Asian, 0.18%; 1 homozygote.

Submission:

Labcorp Genetics (formerly Invitae), Labcorp
Classification: Uncertain significance. Last evaluated: 2022-07-06. Review status: criteria provided, single submitter. Criteria: Invitae Variant Classification Sherloc (09022015). Collection method: clinical testing. Allele origin: germline.
Comment: This sequence change replaces alanine, which is neutral and non-polar, with valine, which is neutral and non-polar, at codon 202 of the SPINT2 protein (p.Ala202Val). This variant is present in population databases (rs551764131, gnomAD 0.2%). This variant has not been reported in the literature in individuals affected with SPINT2-related conditions. ClinVar contains an entry for this variant (Variation ID: 1373648). Algorithms developed to predict the effect of missense changes on protein structure and function output the following: SIFT: "Tolerated"; PolyPhen-2: "Benign"; Align-GVGD: "Class C0". The valine amino acid residue is found in multiple mammalian species, which suggests that this missense change does not adversely affect protein function. Algorithms developed to predict the effect of sequence changes on RNA splicing suggest that this variant may create or strengthen a splice site. In summary, the available evidence is currently insufficient to determine the role of this variant in disease. Therefore, it has been classified as a Variant of Uncertain Significance.